The following is an entry in ClinVar:

ClinVar aggregate classification (germline): Uncertain significance. Review status: criteria provided, multiple submitters, no conflicts (2 of 4 stars). 2 submissions from 2 submitters: Uncertain significance (2). Last evaluated 2026-01-22.

Conditions:
Inborn genetic diseases. Identifiers: MedGen C0950123, MeSH D030342.

Allele frequency attached by ClinVar (database versions not stated): gnomAD 0.00001; ExAC 0.00002; TOPMed 0.00001; gnomAD exomes 0.00002.
gnomAD v4.1: 26 of 1,603,692 alleles (0.0016%); highest among the groups gnomAD compares: Middle Eastern, 0.017%; no homozygotes.

Submissions (2):

Labcorp Genetics (formerly Invitae), Labcorp
Classification: Uncertain significance. Last evaluated: 2026-01-22. Review status: criteria provided, single submitter. Criteria: Invitae Variant Classification Sherloc (09022015). Collection method: clinical testing. Allele origin: germline.
Comment: This sequence change replaces valine, which is neutral and non-polar, with isoleucine, which is neutral and non-polar, at codon 45 of the LYN protein (p.Val45Ile). This variant is present in population databases (rs745815088, gnomAD 0.01%). This variant has not been reported in the literature in individuals affected with LYN-related conditions. ClinVar contains an entry for this variant (Variation ID: 2892013). An algorithm developed to predict the effect of missense changes on protein structure and function (PolyPhen-2) suggests that this variant is likely to be tolerated. In summary, the available evidence is currently insufficient to determine the role of this variant in disease. Therefore, it has been classified as a Variant of Uncertain Significance.

Ambry Genetics
Classification: Uncertain significance for Inborn genetic diseases. Last evaluated: 2024-08-14. Review status: criteria provided, single submitter. Criteria: Ambry Variant Classification Scheme 2023. Collection method: clinical testing. Allele origin: germline.

NM_002350.4(LYN):c.133G>A (p.Val45Ile)

Gene: LYN (LYN proto-oncogene, Src family tyrosine kinase; plus strand). Cytogenetic location: 8q12.1.
Variant type: single nucleotide variant.
Coding change: c.133G>A on transcript NM_002350.4 (MANE Select); coding-DNA position 133, G replaced by A.
Protein change: p.Val45Ile; replaces valine 45 with isoleucine.
Molecular consequence: missense variant.
Genome position (GRCh38, 1-based): chr8:55,946,448, G>A. VCF-style: chr8-55946448-G-A. GRCh37 (hg19) VCF-style: chr8-56859007-G-A.
Other names: c.70G>A, p.Val24Ile (NM_001111097.3); c.133G>A (NM_002350.3); short protein forms V24I, V45I.
Identifiers: ClinVar variation 2892013 (VCV002892013.4), dbSNP rs745815088, ClinGen allele CA4753922.
Genomic context (GRCh38, chr8:55,946,448, plus strand): 5'-ACGAATGTGAGTAAGAAAAGCTAAACAGAATTTTTTTTTCTAACAAATATTCTCTCGTAG[G>A]TTCCAGAATCTCAGCTTTTACCTGGACAGAGGTTTCAAACTAAAGGTATGTTTTCATAGC-3'
Protein context (NP_002341.1, residues 35-55): DPTSNKQQRP[Val45Ile]PESQLLPGQR